The following is an entry in ClinVar:

NM_001002295.1:c.1482-5C>T

Gene: GATA3 (GATA binding protein 3; plus strand). Cytogenetic location: 10p14.
Variant type: single nucleotide variant.
Identifiers: ClinVar variation 132962 (VCV000132962.2).

ClinVar aggregate classification (germline): not provided (0 of 4 stars; one submission).

Conditions:
Familial cancer of breast. Also called: BREAST CANCER, FAMILIAL; hereditary breast carcinoma; Hereditary breast cancer. Identifiers: Orphanet 227535, MedGen C0346153, MONDO:0016419, OMIM 114480. Disease mechanism: loss of function.

Submission:

Laboratory of Translational Genomics,  National Cancer Institute
No classification provided. Condition: Familial cancer of breast. Review status: no classification provided. Collection method: not provided. Allele origin: somatic.
Comment: Breast Cancer specimen